The following is an entry in ClinVar:

ClinVar aggregate classification (germline): Uncertain significance (0 of 4 stars; one submission).

Conditions:
PLXNA4-related disorder. Also called: PLXNA4-related condition.

Allele frequency attached by ClinVar (database versions not stated): gnomAD 0.00001; TOPMed 0.00001; ESP Exome Variant Server 0.00008.
gnomAD v4.1: 33 of 1,610,998 alleles (0.002%); highest among the groups gnomAD compares: Non-Finnish European, 0.0025%; no homozygotes.

Submission:

PreventionGenetics, part of Exact Sciences
Classification: Uncertain significance for PLXNA4-related condition. Last evaluated: 2024-08-20. Review status: no assertion criteria provided. Collection method: clinical testing. Allele origin: germline.
Comment: The PLXNA4 c.80C>A variant is predicted to result in the amino acid substitution p.Thr27Asn. To our knowledge, this variant has not been reported in the literature. This variant is reported in 0.0036% of alleles in individuals of European (Non-Finnish) descent in gnomAD. At this time, the clinical significance of this variant is uncertain due to the absence of conclusive functional and genetic evidence.

NM_020911.2(PLXNA4):c.80C>A (p.Thr27Asn)

Gene: PLXNA4 (plexin A4; minus strand). Cytogenetic location: 7q32.3.
Variant type: single nucleotide variant.
Coding change: c.80C>A on transcript NM_020911.2 (MANE Select); coding-DNA position 80, C replaced by A.
Protein change: p.Thr27Asn; replaces threonine 27 with asparagine.
Molecular consequence: missense variant.
Genome position (GRCh38, 1-based): chr7:132,508,614, G>T on the plus strand (C>A on the coding strand, the complement: PLXNA4 is on the minus strand). VCF-style: chr7-132508614-G-T. GRCh37 (hg19) VCF-style: chr7-132193373-G-T.
Other names: c.80C>A, p.Thr27Asn (NM_001105543.2, NM_001393897.1, NM_181775.4); short protein forms T27N.
Identifiers: ClinVar variation 3051684 (VCV003051684.2), dbSNP rs375754036, ClinGen allele CA167317202.